The following is an entry in ClinVar:

ClinVar aggregate classification (germline): Uncertain significance. Review status: criteria provided, multiple submitters, no conflicts (2 of 4 stars). 2 submissions from 2 submitters: Uncertain significance (2). Last evaluated 2025-03-06.

Conditions:
Inborn genetic diseases. Identifiers: MedGen C0950123, MeSH D030342.

Allele frequency attached by ClinVar (database versions not stated): TOPMed 0.00001; ESP Exome Variant Server 0.00008.
gnomAD v4.1: 58 of 1,613,974 alleles (0.0036%); highest among the groups gnomAD compares: Non-Finnish European, 0.0046%; no homozygotes.

Submissions (2):

Ambry Genetics
Classification: Uncertain significance for Inborn genetic diseases. Last evaluated: 2025-03-06. Review status: criteria provided, single submitter. Criteria: Ambry Variant Classification Scheme 2023. Collection method: clinical testing. Allele origin: germline.

GeneDx
Classification: Uncertain significance. Last evaluated: 2019-04-12. Review status: criteria provided, single submitter. Criteria: GeneDx Variant Classification Process June 2021. Collection method: clinical testing. Allele origin: germline. Affected: yes.
Comment: Not observed at a significant frequency in large population cohorts (Lek et al., 2016); Has not been previously published as pathogenic or benign to our knowledge

NM_000400.4(ERCC2):c.1182C>G (p.Phe394Leu)

Gene: ERCC2 (ERCC excision repair 2, TFIIH core complex helicase subunit; minus strand). Cytogenetic location: 19q13.32.
Variant type: single nucleotide variant.
Coding change: c.1182C>G on transcript NM_000400.4 (MANE Select); coding-DNA position 1182, C replaced by G.
Protein change: p.Phe394Leu; replaces phenylalanine 394 with leucine.
Molecular consequence: missense variant.
Genome position (GRCh38, 1-based): chr19:45,361,579, G>C on the plus strand (C>G on the coding strand, the complement: ERCC2 is on the minus strand). VCF-style: chr19-45361579-G-C. GRCh37 (hg19) VCF-style: chr19-45864837-G-C.
Other names: c.1110C>G, p.Phe370Leu (NM_001130867.2); short protein forms F370L, F394L.
Identifiers: ClinVar variation 1305076 (VCV001305076.5), dbSNP rs374391544, ClinGen allele CA9513482.